The following is an entry in ClinVar:

NC_000023.10:g.(?_31514885)_(31897527_?)dup

Gene: DMD (dystrophin; minus strand). Cytogenetic location: Xp21.1.
Variant type: Duplication.
Identifiers: ClinVar variation 3243142 (VCV003243142.1).

ClinVar aggregate classification (germline): Uncertain significance (1 of 4 stars; one submission).

Conditions:
Duchenne muscular dystrophy (DMD). Also called: MUSCULAR DYSTROPHY, PSEUDOHYPERTROPHIC PROGRESSIVE, DUCHENNE TYPE; Duchenne Muscular Dystrophy (DMD). Identifiers: Orphanet 98896, MedGen C0013264, MONDO:0010679, OMIM 310200.

Submission:

Labcorp Genetics (formerly Invitae), Labcorp
Classification: Uncertain significance for Duchenne muscular dystrophy. Last evaluated: 2023-10-05. Review status: criteria provided, single submitter. Criteria: Invitae Variant Classification Sherloc (09022015). Collection method: clinical testing. Allele origin: unknown.
Comment: This variant results in a copy number gain of the genomic region encompassing exon(s) 48-57 of the DMD gene. While the exact position of this variant cannot be determined from the data, sub-genic copy number gains are generally in tandem (PMID: 25640679). This variant is predicted to be in-frame, and likely preserves the integrity of the reading frame. A similar copy number variant has been observed in individual(s) with clinical features of DMD-related conditions (PMID: 33644936). Experimental studies and prediction algorithms are not available or were not evaluated, and the functional significance of this variant is currently unknown. In summary, the available evidence is currently insufficient to determine the role of this variant in disease. Therefore, it has been classified as a Variant of Uncertain Significance.

Literature cited by the submitters: PubMed 25640679; PubMed 33644936.